The following is an entry in ClinVar:

ClinVar aggregate classification (germline): Likely benign. Review status: criteria provided, multiple submitters, no conflicts (2 of 4 stars). 2 submissions from 2 submitters: Likely benign (2). Last evaluated 2026-06-21.

Conditions:
RETREG1-related disorder. Also called: RETREG1-related condition.

Allele frequency attached by ClinVar (database versions not stated): TOPMed 0.00003; 1000 Genomes Project 30x 0.00016; ExAC 0.00028.
gnomAD v4.1: 57 of 1,438,148 alleles (0.004%); highest among the groups gnomAD compares: African/African-American, 0.013%; no homozygotes.

Submissions (2):

PreventionGenetics, part of Exact Sciences
Classification: Likely benign for RETREG1-related condition. Last evaluated: 2026-06-21. Review status: criteria provided, single submitter. Criteria: ACMG Guidelines, 2015. Collection method: clinical testing. Allele origin: germline.
Comment: This variant is classified as likely benign based on ACMG/AMP sequence variant interpretation guidelines (Richards et al. 2015 PMID: 25741868, with internal and published modifications).

Labcorp Genetics (formerly Invitae), Labcorp
Classification: Likely benign. Last evaluated: 2024-04-15. Review status: criteria provided, single submitter. Criteria: Invitae Variant Classification Sherloc (09022015). Collection method: clinical testing. Allele origin: germline.

NM_001034850.3(RETREG1):c.18T>C (p.Pro6=)

Genes: RETREG1 (reticulophagy regulator 1; minus strand), RETREG1-AS1 (RETREG1 antisense RNA 1; plus strand), LOC129993734 (ATAC-STARR-seq lymphoblastoid silent region 15947; plus strand). Cytogenetic location: 5p15.1.
Variant type: single nucleotide variant.
Coding change: c.18T>C on transcript NM_001034850.3 (MANE Select); coding-DNA position 18, T replaced by C.
Protein change: p.Pro6=; no amino-acid change (proline 6 retained).
Molecular consequence: synonymous variant.
Genome position (GRCh38, 1-based): chr5:16,616,954, A>G on the plus strand (T>C on the coding strand, the complement: RETREG1 is on the minus strand). VCF-style: chr5-16616954-A-G. GRCh37 (hg19) VCF-style: chr5-16617063-A-G.
Identifiers: ClinVar variation 702107 (VCV000702107.12), dbSNP rs773314283, ClinGen allele CA3210551.